The following is an entry in ClinVar:

NM_000521.4(HEXB):c.444T>G (p.Ser148=)

Gene: HEXB (hexosaminidase subunit beta; plus strand). Cytogenetic location: 5q13.3.
Variant type: single nucleotide variant.
Coding change: c.444T>G on transcript NM_000521.4 (MANE Select); coding-DNA position 444, T replaced by G.
Protein change: p.Ser148=; no amino-acid change (serine 148 retained).
Molecular consequence: synonymous variant. On other transcripts: 5 prime UTR variant (1).
Genome position (GRCh38, 1-based): chr5:74,689,472, T>G. VCF-style: chr5-74689472-T-G. GRCh37 (hg19) VCF-style: chr5-73985297-T-G.
Other names: c.-232T>G (NM_001292004.2).
Identifiers: ClinVar variation 2161024 (VCV002161024.1), dbSNP rs1470552099, ClinGen allele CA444851351.
Genomic context (GRCh38, chr5:74,689,472, plus strand): 5'-TGTCTCAATCACCCTTCAGTCAGAGTGTGATGCTTTCCCCAACATATCTTCAGATGAGTC[T>G]TGTAAGTACCTATGCAATGTGAGTGTATTATATCCCAGGTGCTCGCTGACGGACTTAAGT-3'
Protein context (NP_000512.2, residues 138-158): DAFPNISSDE[Ser148=]YTLLVKEPVA

ClinVar aggregate classification (germline): Uncertain significance (1 of 4 stars; one submission).

Conditions:
Sandhoff disease. Also called: GM2-GANGLIOSIDOSIS, TYPE II; HEXOSAMINIDASES A AND B DEFICIENCY; Beta-hexosaminidase-beta-subunit deficiency; GM2 gangliosidosis, type 2; Total hexosaminidase deficiency; Sandhoff-Jatzkewitz-Pilz disease. Identifiers: Orphanet 796, MedGen C0036161, MONDO:0010006, OMIM 268800.

Allele frequency attached by ClinVar (database versions not stated): TOPMed below 0.00001; gnomAD 0.00001.
gnomAD v4.1: 1 of 1,613,066 alleles (0.000062%); highest among the groups gnomAD compares: East Asian, 0.0022%; no homozygotes.

Submission:

Labcorp Genetics (formerly Invitae), Labcorp
Classification: Uncertain significance for Sandhoff disease. Last evaluated: 2022-07-09. Review status: criteria provided, single submitter. Criteria: Invitae Variant Classification Sherloc (09022015). Collection method: clinical testing. Allele origin: germline.
Comment: This sequence change affects codon 148 of the HEXB mRNA. It is a 'silent' change, meaning that it does not change the encoded amino acid sequence of the HEXB protein. It affects a nucleotide within the consensus splice site. This variant is not present in population databases (gnomAD no frequency). This variant has not been reported in the literature in individuals affected with HEXB-related conditions. Algorithms developed to predict the effect of sequence changes on RNA splicing suggest that this variant is not likely to affect RNA splicing. In summary, the available evidence is currently insufficient to determine the role of this variant in disease. Therefore, it has been classified as a Variant of Uncertain Significance.